The following is an entry in ClinVar:

NM_000218.3(KCNQ1):c.493G>A (p.Val165Met)

Gene: KCNQ1 (potassium voltage-gated channel subfamily Q member 1; plus strand). Cytogenetic location: 11p15.5.
Variant type: single nucleotide variant.
Coding change: c.493G>A on transcript NM_000218.3 (MANE Select); coding-DNA position 493, G replaced by A.
Protein change: p.Val165Met; replaces valine 165 with methionine.
Molecular consequence: missense variant.
Genome position (GRCh38, 1-based): chr11:2,570,643, G>A. VCF-style: chr11-2570643-G-A. GRCh37 (hg19) VCF-style: chr11-2591873-G-A.
Other names: p.Val165Met; c.493G>A, p.Val165Met (NM_001406836.1); c.223G>A, p.Val75Met (NM_001406837.1); c.112G>A, p.Val38Met (NM_181798.2); short protein forms V165M, V38M, V75M.
Identifiers: ClinVar variation 426347 (VCV000426347.24), dbSNP rs1085307580, ClinGen allele CA379129819.
Genomic context (GRCh38, chr11:2,570,643, plus strand): 5'-AAGGCCGAGCCTGCCTGCAGTGAGCGTCCCACTCTGTCCCTGCAGGAGATCGTGCTGGTG[G>A]TGTTCTTCGGGACGGAGTACGTGGTCCGCCTCTGGTCCGCCGGCTGCCGCAGCAAGTACG-3'
Protein context (NP_000209.2, residues 155-175): TLFWMEIVLV[Val165Met]FFGTEYVVRL

ClinVar aggregate classification (germline): Uncertain significance. Review status: criteria provided, multiple submitters, no conflicts (2 of 4 stars). 9 submissions from 9 submitters: Uncertain significance (9). Last evaluated 2026-08-03.

Conditions:
KCNQ1-related disorder. Also called: KCNQ1-related condition; KCNQ1-related disorders. Identifiers: MedGen CN239322.
Cardiovascular phenotype. Identifiers: MedGen CN230736.
Cardiac arrhythmia. Also called: Arrhythmia; Cardiac rhythm disease. Identifiers: MedGen C0003811, MONDO:0007263, HP:0011675.
Short QT syndrome type 2. Identifiers: Orphanet 51083, MedGen C1865019, MONDO:0012313, OMIM 609621.
Jervell and Lange-Nielsen syndrome 1 (JLNS1). Also called: PROLONGED QT INTERVAL IN EKG AND SUDDEN DEATH; SURDO-CARDIAC SYNDROME; CARDIOAUDITORY SYNDROME OF JERVELL AND LANGE-NIELSEN; DEAFNESS, CONGENITAL, AND FUNCTIONAL HEART DISEASE. Identifiers: Orphanet 768, Orphanet 90647, MedGen C4551509, MONDO:0024540, OMIM 220400.
Atrial fibrillation, familial, 3 (ATFB3). Identifiers: MedGen C1837014, MONDO:0011857, OMIM 607554.
Beckwith-Wiedemann syndrome (BWS). Also called: EMG SYNDROME; Exomphalos macroglossia gigantism syndrome. Identifiers: Orphanet 116, MedGen C0004903, MONDO:0007534, OMIM 130650.
Long QT syndrome 1 (LQT1). Identifiers: Orphanet 101016, Orphanet 768, MedGen C4551647, MONDO:0100316, OMIM 192500, MONDO:0008646.
Long QT syndrome (LQTS). Identifiers: MedGen C0023976, MeSH D008133, MONDO:0002442. Disease mechanism: loss of function. Inheritance: Various modes of inheritance.

Allele frequency attached by ClinVar (database versions not stated): gnomAD exomes 0.00001 and 0.00002; gnomAD 0.00007; TOPMed 0.00011.
gnomAD v4.1: 40 of 1,612,640 alleles (0.0025%); highest among the groups gnomAD compares: African/African-American, 0.025%; no homozygotes.

Submissions (9):

PreventionGenetics, part of Exact Sciences
Classification: Uncertain significance for KCNQ1-related condition. Last evaluated: 2026-08-03. Review status: criteria provided, single submitter. Criteria: ACMG Guidelines, 2015. Collection method: clinical testing. Allele origin: germline.
Comment: The KCNQ1 c.493G>A variant is predicted to result in the amino acid substitution p.Val165Met. This variant was reported in an individual with sudden unexplained death (Table 2, Wang et al. 2014. PubMed ID: 24631775; Table S3, Lin et al. 2017. PubMed ID: 29247119). This variant is reported in 0.016% of alleles in individuals of African descent in gnomAD. At this time, the clinical significance of this variant is uncertain due to the absence of conclusive functional and genetic evidence.

Ambry Genetics
Classification: Uncertain significance for Cardiovascular phenotype. Last evaluated: 2026-03-26. Review status: criteria provided, single submitter. Criteria: Ambry Variant Classification Scheme 2023. Collection method: clinical testing. Allele origin: germline.
Comment: The c.493G>A (p.V165M) alteration is located in exon 3 (coding exon 3) of the KCNQ1 gene. This alteration results from a G to A substitution at nucleotide position 493, causing the valine (V) at amino acid position 165 to be replaced by a methionine (M). Based on data from gnomAD, the A allele has an overall frequency of 0.002% (6/281064) total alleles studied. The highest observed frequency was 0.016% (4/24846) of African alleles. Based on insufficient or conflicting evidence, the clinical significance of this alteration remains unclear.

Labcorp Genetics (formerly Invitae), Labcorp
Classification: Uncertain significance for Long QT syndrome. Last evaluated: 2025-06-12. Review status: criteria provided, single submitter. Criteria: Invitae Variant Classification Sherloc (09022015). Collection method: clinical testing. Allele origin: germline.
Comment: This sequence change replaces valine, which is neutral and non-polar, with methionine, which is neutral and non-polar, at codon 165 of the KCNQ1 protein (p.Val165Met). This variant is present in population databases (no rsID available, gnomAD 0.02%). This missense change has been observed in individual(s) with sudden unexplained death (PMID: 24631775). ClinVar contains an entry for this variant (Variation ID: 426347). Invitae Evidence Modeling of protein sequence and biophysical properties (such as structural, functional, and spatial information, amino acid conservation, physicochemical variation, residue mobility, and thermodynamic stability) has been performed for this missense variant. However, the output from this modeling did not meet the statistical confidence thresholds required to predict the impact of this variant on KCNQ1 protein function. In summary, the available evidence is currently insufficient to determine the role of this variant in disease. Therefore, it has been classified as a Variant of Uncertain Significance.

GeneDx
Classification: Uncertain significance. Last evaluated: 2025-01-24. Review status: criteria provided, single submitter. Criteria: GeneDx Variant Classification Process June 2021. Collection method: clinical testing. Allele origin: germline. Affected: yes.
Comment: In silico analysis indicates that this missense variant does not alter protein structure/function; Has been reported in individuals with sudden unexplained death (PMID: 29247119, 24631775); This variant is associated with the following publications: (PMID: 24631775, 29247119)

Color Diagnostics, LLC DBA Color Health
Classification: Uncertain significance for Cardiac arrhythmia. Last evaluated: 2024-04-25. Review status: criteria provided, single submitter. Criteria: ACMG Guidelines, 2015. Collection method: clinical testing. Allele origin: germline.
Comment: This missense variant replaces valine with methionine at codon 165 of the KCNQ1 protein. Computational prediction suggests that this variant may have deleterious impact on protein structure and function (internally defined REVEL score threshold >= 0.7, PMID: 27666373). To our knowledge, functional studies have not been reported for this variant. This variant has been reported in an individual affected with sudden unexplained death (PMID: 24631775). This variant has been identified in 6/281064 chromosomes in the general population by the Genome Aggregation Database (gnomAD). The available evidence is insufficient to determine the role of this variant in disease conclusively. Therefore, this variant is classified as a Variant of Uncertain Significance.

Mayo Clinic Laboratories, Mayo Clinic
Classification: Uncertain significance. Last evaluated: 2024-03-27. Review status: criteria provided, single submitter. Criteria: ACMG Guidelines, 2015. Collection method: clinical testing. Allele origin: germline. Observed: 1 variant allele.
Comment: PP3

Illumina Laboratory Services, Illumina
Classification: Uncertain significance for Long QT syndrome 1. Last evaluated: 2024-02-29. Review status: criteria provided, single submitter. Criteria: ISL SNV Classification Criteria 03 February 2026. Collection method: clinical testing. Allele origin: unknown.
Comment: The KCNQ1 c.493G>A p.(Val165Met) missense variant has been reported in one individual with sudden cardiac death (PMID: 24631775), however further information on family history or functional impact of this variant is not available. Multiple lines of computational evidence suggest the variant may impact the gene or gene product. Based on the available evidence, the c.493G>A p.(Val165Met) variant is classified as a variant of uncertain significance for Cohen syndrome.

All of Us Research Program, National Institutes of Health
Classification: Uncertain significance for Long QT syndrome. Last evaluated: 2023-12-01. Review status: criteria provided, single submitter. Criteria: ACMG Guidelines, 2015. Collection method: clinical testing. Allele origin: germline. Inheritance: Autosomal dominant inheritance. Observed: 6 variant alleles, 6 heterozygotes.
Comment: This missense variant replaces valine with methionine at codon 165 of the KCNQ1 protein. Computational prediction tools and conservation analyses are inconclusive regarding the impact of this variant on protein function. Computational splicing tools suggest that this variant may not impact RNA splicing. To our knowledge, functional assays have not been performed for this variant nor has this variant been reported in individuals affected with cardiovascular disorders in the literature. This variant has been identified in 6/281064 chromosomes in the general population by the Genome Aggregation Database (gnomAD). Available evidence is insufficient to determine the role of this variant in disease conclusively. Therefore, this variant is classified as a Variant of Uncertain Significance.

This study involves interpretation of variants in research participants for the purpose of population health screening. Participant phenotype was not available at the time of variant classification. Additional details can be found in publication PMID: 35346344, PMCID: PMC8962531

Fulgent Genetics
Classification: Uncertain significance for Beckwith-Wiedemann syndrome; Long QT syndrome 1; Jervell and Lange-Nielsen syndrome 1; Atrial fibrillation, familial, 3; Short QT syndrome type 2. Last evaluated: 2021-09-27. Review status: criteria provided, single submitter. Criteria: ACMG Guidelines, 2015. Collection method: clinical testing. Allele origin: unknown.

Literature cited by the submitters: PubMed 24631775 (cited by 4 submitters); PubMed 29247119 (cited by Mayo Clinic Laboratories, Mayo Clinic).